The following is an entry in ClinVar:

NM_144499.3(GNAT1):c.379T>C (p.Trp127Arg)

Gene: GNAT1 (G protein subunit alpha transducin 1; plus strand). Cytogenetic location: 3p21.31.
Variant type: single nucleotide variant.
Coding change: c.379T>C on transcript NM_144499.3 (MANE Select); coding-DNA position 379, T replaced by C.
Protein change: p.Trp127Arg; replaces tryptophan 127 with arginine.
Molecular consequence: missense variant.
Genome position (GRCh38, 1-based): chr3:50,193,593, T>C. VCF-style: chr3-50193593-T-C. GRCh37 (hg19) VCF-style: chr3-50231026-T-C.
Other names: c.379T>C, p.Trp127Arg (NM_000172.4); short protein forms W127R.
Identifiers: ClinVar variation 1297646 (VCV001297646.7), dbSNP rs373544213, ClinGen allele CA2412549.

ClinVar aggregate classification (germline): Uncertain significance. Review status: criteria provided, multiple submitters, no conflicts (2 of 4 stars). 4 submissions from 4 submitters: Uncertain significance (2). 2 of the submissions do not count toward it. Last evaluated 2023-10-14.

Allele frequency attached by ClinVar (database versions not stated): TOPMed 0.00001; gnomAD 0.00002; gnomAD exomes 0.00002; ESP Exome Variant Server 0.00008.
gnomAD v4.1: 28 of 1,612,684 alleles (0.0017%); highest among the groups gnomAD compares: Non-Finnish European, 0.0021%; no homozygotes.

Submissions (4):

Labcorp Genetics (formerly Invitae), Labcorp
Classification: Uncertain significance. Last evaluated: 2023-10-14. Review status: criteria provided, single submitter. Criteria: Invitae Variant Classification Sherloc (09022015). Collection method: clinical testing. Allele origin: germline.
Comment: This sequence change replaces tryptophan, which is neutral and slightly polar, with arginine, which is basic and polar, at codon 127 of the GNAT1 protein (p.Trp127Arg). This variant is present in population databases (rs373544213, gnomAD 0.004%). This variant has not been reported in the literature in individuals affected with GNAT1-related conditions. ClinVar contains an entry for this variant (Variation ID: 1297646). Advanced modeling of protein sequence and biophysical properties (such as structural, functional, and spatial information, amino acid conservation, physicochemical variation, residue mobility, and thermodynamic stability) performed at Invitae indicates that this missense variant is not expected to disrupt GNAT1 protein function. In summary, the available evidence is currently insufficient to determine the role of this variant in disease. Therefore, it has been classified as a Variant of Uncertain Significance.

Blueprint Genetics
Classification: Uncertain significance. Last evaluated: 2022-01-03. Review status: criteria provided, single submitter. Criteria: ACMG Guidelines, 2015. Collection method: clinical testing. Allele origin: germline.

Clinical Genetics DNA and cytogenetics Diagnostics Lab, Erasmus MC, Erasmus Medical Center
Classification: Uncertain significance. Review status: no assertion criteria provided. Collection method: clinical testing. Allele origin: germline. Affected: yes. Study: VKGL Data-share Consensus. Not counted in ClinVar's aggregate classification.

Joint Genome Diagnostic Labs from Nijmegen and Maastricht, Radboudumc and MUMC+
Classification: Uncertain significance. Review status: no assertion criteria provided. Collection method: clinical testing. Allele origin: germline. Affected: yes. Study: VKGL Data-share Consensus. Not counted in ClinVar's aggregate classification.